The following is an entry in ClinVar:

NM_000257.4(MYH7):c.2185G>C (p.Ala729Pro)

Gene: MYH7 (myosin heavy chain 7; minus strand). Cytogenetic location: 14q11.2.
Variant type: single nucleotide variant.
Coding change: c.2185G>C on transcript NM_000257.4 (MANE Select); coding-DNA position 2185, G replaced by C.
Protein change: p.Ala729Pro; replaces alanine 729 with proline.
Molecular consequence: missense variant.
Genome position (GRCh38, 1-based): chr14:23,425,796, C>G on the plus strand (G>C on the coding strand, the complement: MYH7 is on the minus strand). VCF-style: chr14-23425796-C-G. GRCh37 (hg19) VCF-style: chr14-23895005-C-G.
Other names: c.2185G>C, p.Ala729Pro (NM_001407004.1); short protein forms A729P.
Identifiers: ClinVar variation 3901153 (VCV003901153.1).

ClinVar aggregate classification (germline): Pathogenic (1 of 4 stars; one submission).

Conditions:
Hypertrophic cardiomyopathy 1 (CMH1). Also called: Familial hypertrophic cardiomyopathy 1; MYH7-Related Familial Hypertrophic Cardiomyopathy. Identifiers: MedGen C3495498, MONDO:0008647, OMIM 192600.

Submission:

Laboratory of Molecular Genetics, National Medical Research Center for Therapy and Preventive Medicine
Classification: Pathogenic for Hypertrophic cardiomyopathy 1. Last evaluated: 2025-05-27. Review status: criteria provided, single submitter. Criteria: ACMG Guidelines, 2015. Collection method: clinical testing. Allele origin: germline. Inheritance: Autosomal dominant inheritance. Affected: yes. Observed: 2 variant alleles, 1 heterozygote.
Comment: The variant c.2185G>C in exon 20 of the MYH7 gene leads to the missense change p.Ala729Pro located in the head domain (amino acid residues 181–937) of the beta–myosin heavy chain protein. This domain is known to be significantly enriched with disease-associated MYH7 missense variants (Walsh et al. 2017; Kelly et al. 2018). The variant c.2185G>C was observed in 4 unrelated Belarusian probands with hypertrophic cardiomyopathy (HCM) (Niyazova et al. 2019, in Russian) and in at least 6 unrelated probands with HCM from Russia (Seleznev et al. 2005, in Russian: 2 probands; Zheikova et al. 2007, in Russian: 1 proband; Davydova et al. 2024, in Russian: 1 proband; our own data: 3 probands but we could not definitely exclude consanguinity between two of them). The variant co-segregated with the HCM phenotype in at least 2 families (Niyazova et al.; our own data). At the same time, this nucleotide variant is absent from large population datasets. No functional studies on the variant consequence have been reported. Computational algorithms predict the p.Ala729Pro substitution to be protein-damaging with moderate (Pejaver et al. 2022) level of evidence: REVEL score = 0.905. Based on all above, we classify this variant as Pathogenic in HCM.

Literature cited by the submitters: PubMed 27532257; PubMed 29300372; DOI 10.25557/2073-7998.2019.06.21-33; PubMed 15940186; DOI 10.15829/1560-4071-2024-5994; PubMed 36413997.